The following is an entry in ClinVar:

NM_003803.4(MYOM1):c.1852T>A (p.Ser618Thr)

Gene: MYOM1 (myomesin 1; minus strand). Cytogenetic location: 18p11.31.
Variant type: single nucleotide variant.
Coding change: c.1852T>A on transcript NM_003803.4 (MANE Select); coding-DNA position 1852, T replaced by A.
Protein change: p.Ser618Thr; replaces serine 618 with threonine.
Molecular consequence: missense variant.
Genome position (GRCh38, 1-based): chr18:3,149,193, A>T on the plus strand (T>A on the coding strand, the complement: MYOM1 is on the minus strand). VCF-style: chr18-3149193-A-T. GRCh37 (hg19) VCF-style: chr18-3149191-A-T.
Other names: c.1852T>A, p.Ser618Thr (NM_019856.2); short protein forms S618T.
Identifiers: ClinVar variation 3916573 (VCV003916573.2).
Genomic context (GRCh38, chr18:3,149,193, plus strand): 5'-CAGACTTCTTACCTGAAGGTTCCTCTTCAGTAACAATGATCTGTCCAGTCCAGGGTGCTG[A>T]GGGGCGACCTGAATAAAGACAAATATAAGAATCACAAACGTTTACAAGTGTGCAATTTAT-3'
Protein context (NP_003794.3, residues 608-628): AEKARLKSRP[Ser618Thr]APWTGQIIVT

ClinVar aggregate classification (germline): Uncertain significance (1 of 4 stars; one submission).

gnomAD v4.1: 7 of 1,612,492 alleles (0.00043%); highest among the groups gnomAD compares: Non-Finnish European, 0.00059%; no homozygotes.

Submission:

Ambry Genetics
Classification: Uncertain significance. Last evaluated: 2025-08-28. Review status: criteria provided, single submitter. Criteria: Ambry Variant Classification Scheme 2023. Collection method: clinical testing. Allele origin: germline.
Comment: The p.S618T variant (also known as c.1852T>A), located in coding exon 12 of the MYOM1 gene, results from a T to A substitution at nucleotide position 1852. The serine at codon 618 is replaced by threonine, an amino acid with similar properties. This amino acid position is conserved. In addition, the in silico prediction for this alteration is inconclusive. Based on the available evidence, the clinical significance of this variant remains unclear.